The following is an entry in ClinVar:

NM_000059.4(BRCA2):c.9195T>C (p.Phe3065=)

Gene: BRCA2 (BRCA2 DNA repair associated; plus strand). Cytogenetic location: 13q13.1.
Variant type: single nucleotide variant.
Coding change: c.9195T>C on transcript NM_000059.4 (MANE Select); coding-DNA position 9195, T replaced by C.
Protein change: p.Phe3065=; no amino-acid change (phenylalanine 3065 retained).
Molecular consequence: synonymous variant.
Genome position (GRCh38, 1-based): chr13:32,380,084, T>C. VCF-style: chr13-32380084-T-C. GRCh37 (hg19) VCF-style: chr13-32954221-T-C.
Identifiers: ClinVar variation 234217 (VCV000234217.7), dbSNP rs80359179, ClinGen allele CA10579814.

ClinVar aggregate classification (germline): Likely benign. Review status: reviewed by expert panel (3 of 4 stars). 2 submissions from 2 submitters: Likely benign (1). 1 of the submissions does not count toward it. Last evaluated 2017-06-29.

Conditions:
Hereditary cancer-predisposing syndrome. Also called: Tumor predisposition; Hereditary Cancer Syndrome; Hereditary neoplastic syndrome; Neoplastic Syndromes, Hereditary. Identifiers: Orphanet 140162, MedGen C0027672, MeSH D009386, MONDO:0015356.
Breast-ovarian cancer, familial, susceptibility to, 2 (BROVCA2). Also called: BRCA2 Hereditary Breast and Ovarian Cancer. Identifiers: Orphanet 145, MedGen C2675520, MONDO:0012933, OMIM 612555. Disease mechanism: loss of function.

Submissions (2):

Evidence-based Network for the Interpretation of Germline Mutant Alleles (ENIGMA)
Classification: Likely benign for Breast-ovarian cancer, familial, susceptibility to, 2. Last evaluated: 2017-06-29. Review status: reviewed by expert panel. Criteria: ENIGMA BRCA1/2 Classification Criteria (2017-06-29). Collection method: curation. Allele origin: germline.
Comment: Synonymous substitution variant, with low bioinformatic likelihood to result in a splicing aberration (Splicing prior probability 0.02).

Ambry Genetics
Classification: Likely benign for Hereditary cancer-predisposing syndrome. Last evaluated: 2015-10-03. Review status: criteria provided, single submitter. Criteria: Ambry Variant Classification Scheme 2023. Collection method: clinical testing. Allele origin: germline. Not counted in ClinVar's aggregate classification.